The following is an entry in ClinVar:

NM_000289.6(PFKM):c.732T>A (p.Cys244Ter)

Gene: PFKM (phosphofructokinase, muscle; plus strand). Cytogenetic location: 12q13.11.
Variant type: single nucleotide variant.
Coding change: c.732T>A on transcript NM_000289.6 (MANE Select); coding-DNA position 732, T replaced by A.
Protein change: p.Cys244Ter; replaces cysteine 244 with a stop codon.
Molecular consequence: nonsense. On other transcripts: non-coding transcript variant (6).
Genome position (GRCh38, 1-based): chr12:48,134,814, T>A. VCF-style: chr12-48134814-T-A. GRCh37 (hg19) VCF-style: chr12-48528597-T-A.
Other names: c.945T>A, p.Cys315Ter (NM_001166686.2, NM_001354737.1, NM_001354738.1 and 1 more transcripts); c.732T>A, p.Cys244Ter (NM_001166687.2, NM_001166688.2, NM_001354742.2 and 4 more transcripts); c.1041T>A, p.Cys347Ter (NM_001354735.1, NM_001354736.1); c.876T>A, p.Cys292Ter (NM_001354740.1); c.756T>A, p.Cys252Ter (NM_001354741.2); c.645T>A, p.Cys215Ter (NM_001354745.2); c.582T>A, p.Cys194Ter (NM_001354747.2, NM_001354748.2); short protein forms C244*, C347*, C215*, C315*, C252*, C292*, C194*.
Identifiers: ClinVar variation 3646350 (VCV003646350.2).

ClinVar aggregate classification (germline): Pathogenic (1 of 4 stars; one submission).

Conditions:
Glycogen storage disease, type VII (GSD7). Also called: GSD VII; MUSCLE PHOSPHOFRUCTOKINASE DEFICIENCY; PFKM DEFICIENCY; TARUI DISEASE. Identifiers: Orphanet 371, MedGen C0017926, MONDO:0009295, OMIM 232800.

gnomAD v4.1: 1 of 1,613,902 alleles (0.000062%); highest among the groups gnomAD compares: Non-Finnish European, 0.000085%; no homozygotes.

Submission:

Labcorp Genetics (formerly Invitae), Labcorp
Classification: Pathogenic for Glycogen storage disease, type VII. Last evaluated: 2024-03-16. Review status: criteria provided, single submitter. Criteria: Invitae Variant Classification Sherloc (09022015). Collection method: clinical testing. Allele origin: germline.
Comment: This sequence change creates a premature translational stop signal (p.Cys244*) in the PFKM gene. It is expected to result in an absent or disrupted protein product. Loss-of-function variants in PFKM are known to be pathogenic (PMID: 7825568, 8037209). This variant is not present in population databases (gnomAD no frequency). This variant has not been reported in the literature in individuals affected with PFKM-related conditions. For these reasons, this variant has been classified as Pathogenic.

Literature cited by the submitters: PubMed 7825568; PubMed 8037209.